The following is an entry in ClinVar:

NM_001378615.1(CC2D2A):c.1810G>A (p.Gly604Ser)

Genes: CC2D2A (coiled-coil and C2 domain containing 2A; plus strand), FBXL5 (F-box and leucine rich repeat protein 5; minus strand). Cytogenetic location: 4p15.32.
Variant type: single nucleotide variant.
Coding change: c.1810G>A on transcript NM_001378615.1 (MANE Select); coding-DNA position 1810, G replaced by A.
Protein change: p.Gly604Ser; replaces glycine 604 with serine.
Molecular consequence: missense variant.
Genome position (GRCh38, 1-based): chr4:15,537,944, G>A. VCF-style: chr4-15537944-G-A. GRCh37 (hg19) VCF-style: chr4-15539567-G-A.
Other names: c.1810G>A, p.Gly604Ser (NM_001080522.2); c.1663G>A, p.Gly555Ser (NM_001378617.1); short protein forms G604S, G555S.
Identifiers: ClinVar variation 957355 (VCV000957355.7), dbSNP rs747935651, ClinGen allele CA2863773.

ClinVar aggregate classification (germline): Uncertain significance (1 of 4 stars; one submission).

Conditions:
Meckel-Gruber syndrome. Also called: Dysencephalia splachnocystica; DYSENCEPHALIA SPLANCHNOCYSTICA; GRUBER SYNDROME. Identifiers: Orphanet 564, MedGen C0265215, MONDO:0018921.
Joubert syndrome. Also called: Familial aplasia of the vermis; JOUBERT-BOLTSHAUSER SYNDROME. Identifiers: Orphanet 475, MedGen C5979921, MONDO:0018772.

Allele frequency attached by ClinVar (database versions not stated): ExAC 0.00001; gnomAD 0.00001; TOPMed 0.00001; gnomAD exomes 0.00003.
gnomAD v4.1: 43 of 1,609,108 alleles (0.0027%); highest among the groups gnomAD compares: South Asian, 0.01%; 1 homozygote.

Submission:

Labcorp Genetics (formerly Invitae), Labcorp
Classification: Uncertain significance for Joubert syndrome; Meckel-Gruber syndrome. Last evaluated: 2022-03-28. Review status: criteria provided, single submitter. Criteria: Invitae Variant Classification Sherloc (09022015). Collection method: clinical testing. Allele origin: germline.
Comment: This sequence change replaces glycine, which is neutral and non-polar, with serine, which is neutral and polar, at codon 604 of the CC2D2A protein (p.Gly604Ser). This variant is present in population databases (rs747935651, gnomAD 0.02%). This variant has not been reported in the literature in individuals affected with CC2D2A-related conditions. ClinVar contains an entry for this variant (Variation ID: 957355). Advanced modeling of protein sequence and biophysical properties (such as structural, functional, and spatial information, amino acid conservation, physicochemical variation, residue mobility, and thermodynamic stability) performed at Invitae indicates that this missense variant is not expected to disrupt CC2D2A protein function. In summary, the available evidence is currently insufficient to determine the role of this variant in disease. Therefore, it has been classified as a Variant of Uncertain Significance.